The following is an entry in ClinVar:

NM_017668.3(NDE1):c.572C>T (p.Thr191Ile)

Gene: NDE1 (nudE neurodevelopment protein 1; plus strand). Cytogenetic location: 16p13.11.
Variant type: single nucleotide variant.
Coding change: c.572C>T on transcript NM_017668.3 (MANE Select); coding-DNA position 572, C replaced by T.
Protein change: p.Thr191Ile; replaces threonine 191 with isoleucine.
Molecular consequence: missense variant.
Genome position (GRCh38, 1-based): chr16:15,691,192, C>T. VCF-style: chr16-15691192-C-T. GRCh37 (hg19) VCF-style: chr16-15785049-C-T.
Other names: p.T191I:ACC>ATC; c.572C>T, p.Thr191Ile (NM_001143979.2); short protein forms T191I.
Identifiers: ClinVar variation 138430 (VCV000138430.47), dbSNP rs113493697, ClinGen allele CA172611.
Genomic context (GRCh38, chr16:15,691,192, plus strand): 5'-TTTCTGGCACAGATTTGCGGCAGGAACTGGCCGTGCAGCAGAAGCAGGAGAAACCCAGGA[C>T]CCCCATGCCCAGCTCAGTGGAAGCTGAGAGGACAGACACAGCTGTGCAGGCCACGGGCTC-3'
Protein context (NP_060138.1, residues 181-201): AVQQKQEKPR[Thr191Ile]PMPSSVEAER

ClinVar aggregate classification (germline): Benign/Likely benign. Review status: criteria provided, multiple submitters, no conflicts (2 of 4 stars). 11 submissions from 11 submitters: Benign (6); Likely benign (2). 3 of the submissions do not count toward it. Last evaluated 2026-08-01.

Conditions:
NDE1-related disorder. Also called: NDE1-related condition; NDE1-Related Disorders.
Lissencephaly 4 (LIS4). Also called: Lissencephaly 4 (with microcephaly). Identifiers: Orphanet 1083, MedGen C3151461, MONDO:0013527, OMIM 614019.

Allele frequency attached by ClinVar (database versions not stated): 1000 Genomes Project 0.00359; 1000 Genomes Project 30x 0.00422; TOPMed 0.00841; gnomAD exomes 0.00853 and 0.01113; ExAC 0.00877; gnomAD 0.00910 and 0.00935; ESP Exome Variant Server 0.01039.
gnomAD v4.1: 17,448 of 1,614,118 alleles (1.1%); highest among the groups gnomAD compares: Non-Finnish European, 1.3%; 126 homozygotes.

Submissions (11):

CeGaT Center for Human Genetics Tuebingen
Classification: Benign. Last evaluated: 2026-08-01. Review status: criteria provided, single submitter. Criteria: CeGaT Center For Human Genetics Tuebingen Variant Classification Criteria Version 2. Collection method: clinical testing. Allele origin: germline. Affected: yes. Observed: 30 variant alleles.
Comment: NDE1: BS1, BS2

Labcorp Genetics (formerly Invitae), Labcorp
Classification: Benign. Last evaluated: 2026-02-02. Review status: criteria provided, single submitter. Criteria: Invitae Variant Classification Sherloc (09022015). Collection method: clinical testing. Allele origin: germline.

Athena Diagnostics
Classification: Benign. Last evaluated: 2019-07-02. Review status: criteria provided, single submitter. Criteria: Athena Diagnostics Criteria. Collection method: clinical testing. Allele origin: germline.

Illumina Laboratory Services, Illumina
Classification: Benign for Lissencephaly 4. Last evaluated: 2018-01-12. Review status: criteria provided, single submitter. Criteria: ICSL Variant Classification Criteria 13 December 2019. Collection method: clinical testing. Allele origin: germline.
Comment: This variant was observed in the ICSL laboratory as part of a predisposition screen in an ostensibly healthy population. It had not been previously curated by ICSL or reported in the Human Gene Mutation Database (HGMD: prior to June 1st, 2018), and was therefore a candidate for classification through an automated scoring system. Utilizing variant allele frequency, disease prevalence and penetrance estimates, and inheritance mode, an automated score was calculated to assess if this variant is too frequent to cause the disease. Based on the score and internal cut-off values, a variant classified as benign is not then subjected to further curation. The score for this variant resulted in a classification of benign for this disease.

Center for Pediatric Genomic Medicine, Children's Mercy Hospital and Clinics
Classification: Likely benign. Last evaluated: 2017-06-14. Review status: criteria provided, single submitter. Criteria: ACMG Guidelines, 2015. Collection method: clinical testing. Allele origin: germline.

GeneDx
Classification: Benign. Last evaluated: 2014-05-29. Review status: criteria provided, single submitter. Criteria: GeneDx Variant Classification (06012015). Collection method: clinical testing. Allele origin: germline. Affected: yes.
Comment: This variant is considered likely benign or benign based on one or more of the following criteria: it is a conservative change, it occurs at a poorly conserved position in the protein, it is predicted to be benign by multiple in silico algorithms, and/or has population frequency not consistent with disease.

Genetic Services Laboratory, University of Chicago
Classification: Benign. Last evaluated: 2013-02-27. Review status: criteria provided, single submitter. Criteria: ACMG Guidelines, 2007. Collection method: clinical testing. Allele origin: germline. Inheritance: Autosomal recessive inheritance.

Breakthrough Genomics
Classification: Likely benign. Review status: criteria provided, single submitter. Criteria: ACMG Guidelines, 2015. Collection method: not provided. Allele origin: germline. Inheritance: Autosomal recessive inheritance. Affected: yes.

PreventionGenetics, part of Exact Sciences
Classification: Benign for NDE1-related condition. Last evaluated: 2019-09-26. Review status: no assertion criteria provided. Collection method: clinical testing. Allele origin: germline. Not counted in ClinVar's aggregate classification.
Comment: This variant is classified as benign based on ACMG/AMP sequence variant interpretation guidelines (Richards et al. 2015 PMID: 25741868, with internal and published modifications).

Clinical Genetics DNA and cytogenetics Diagnostics Lab, Erasmus MC, Erasmus Medical Center
Classification: Benign. Review status: no assertion criteria provided. Collection method: clinical testing. Allele origin: germline. Affected: yes. Study: VKGL Data-share Consensus. Not counted in ClinVar's aggregate classification.

Laboratory of Diagnostic Genome Analysis, Leiden University Medical Center (LUMC)
Classification: Likely benign. Review status: no assertion criteria provided. Collection method: clinical testing. Allele origin: germline. Affected: yes. Study: VKGL Data-share Consensus. Not counted in ClinVar's aggregate classification.

Literature cited by the submitters: PubMed 26206584 (cited by Athena Diagnostics).